The following is an entry in ClinVar:

ClinVar aggregate classification (germline): Conflicting classifications of pathogenicity. Review status: criteria provided, conflicting classifications (1 of 4 stars). 2 submissions from 2 submitters: Uncertain significance (1); Likely benign (1). Last evaluated 2025-11-09.

Conditions:
Hereditary nonpolyposis colorectal neoplasms. Identifiers: MedGen C0009405, MeSH D003123.
Hereditary cancer-predisposing syndrome. Also called: Hereditary neoplastic syndrome; Tumor predisposition; Hereditary Cancer Syndrome; Neoplastic Syndromes, Hereditary. Identifiers: Orphanet 140162, MedGen C0027672, MeSH D009386, MONDO:0015356.

Allele frequency attached by ClinVar (database versions not stated): gnomAD exomes below 0.00001 and 0.00001; ExAC 0.00002.
gnomAD v4.1: 7 of 1,613,998 alleles (0.00043%); highest among the groups gnomAD compares: South Asian, 0.0033%; no homozygotes.

Submissions (2):

Labcorp Genetics (formerly Invitae), Labcorp
Classification: Uncertain significance for Hereditary nonpolyposis colorectal neoplasms. Last evaluated: 2025-11-09. Review status: criteria provided, single submitter. Criteria: Invitae Variant Classification Sherloc (09022015). Collection method: clinical testing. Allele origin: germline.
Comment: This sequence change replaces proline, which is neutral and non-polar, with leucine, which is neutral and non-polar, at codon 617 of the PMS2 protein (p.Pro617Leu). The frequency data for this variant in the population databases (gnomAD) is considered unreliable due to the presence of homologous sequence, such as pseudogenes or paralogs, in the genome. This variant has not been reported in the literature in individuals affected with PMS2-related conditions. ClinVar contains an entry for this variant (Variation ID: 219903). Invitae Evidence Modeling incorporating data from in vitro experimental studies (internal data) indicates that this missense variant is not expected to disrupt PMS2 function with a negative predictive value of 95%. In summary, the available evidence is currently insufficient to determine the role of this variant in disease. Therefore, it has been classified as a Variant of Uncertain Significance.

Ambry Genetics
Classification: Likely benign for Hereditary cancer-predisposing syndrome. Last evaluated: 2023-12-27. Review status: criteria provided, single submitter. Criteria: Ambry Variant Classification Scheme 2023. Collection method: clinical testing. Allele origin: germline.

NM_000535.7(PMS2):c.1850C>T (p.Pro617Leu)

Gene: PMS2 (PMS1 homolog 2, mismatch repair system component; minus strand). Cytogenetic location: 7p22.1.
Variant type: single nucleotide variant.
Coding change: c.1850C>T on transcript NM_000535.7 (MANE Select); coding-DNA position 1850, C replaced by T.
Protein change: p.Pro617Leu; replaces proline 617 with leucine.
Molecular consequence: missense variant. On other transcripts: non-coding transcript variant (1).
Genome position (GRCh38, 1-based): chr7:5,986,915, G>A on the plus strand (C>T on the coding strand, the complement: PMS2 is on the minus strand). VCF-style: chr7-5986915-G-A. GRCh37 (hg19) VCF-style: chr7-6026546-G-A.
Other names: c.1445C>T, p.Pro482Leu (NM_001322003.2, NM_001322004.2, NM_001322005.2 and 1 more transcripts); c.1694C>T, p.Pro565Leu (NM_001322006.2); c.1532C>T, p.Pro511Leu (NM_001322007.2, NM_001322008.2); c.1289C>T, p.Pro430Leu (NM_001322010.2); c.917C>T, p.Pro306Leu (NM_001322011.2, NM_001322012.2); c.1277C>T, p.Pro426Leu (NM_001322013.2); c.1850C>T, p.Pro617Leu (NM_001322014.2); c.1541C>T, p.Pro514Leu (NM_001322015.2); short protein forms P617L, P514L, P430L, P482L, P511L, P426L, P306L, P565L.
Identifiers: ClinVar variation 219903 (VCV000219903.12), dbSNP rs747785888, ClinGen allele CA045700.